The following is an entry in ClinVar:

ClinVar aggregate classification (germline): Uncertain significance. Review status: criteria provided, multiple submitters, no conflicts (2 of 4 stars). 2 submissions from 2 submitters: Uncertain significance (2). Last evaluated 2024-12-09.

Allele frequency attached by ClinVar (database versions not stated): ESP Exome Variant Server 0.00008; gnomAD exomes 0.00001; ExAC 0.00002.
gnomAD v4.1: 13 of 1,611,174 alleles (0.00081%); highest among the groups gnomAD compares: East Asian, 0.0022%; no homozygotes.

Submissions (2):

GeneDx
Classification: Uncertain significance. Last evaluated: 2024-12-09. Review status: criteria provided, single submitter. Criteria: GeneDx Variant Classification Process June 2021. Collection method: clinical testing. Allele origin: germline. Affected: yes.
Comment: Not observed at significant frequency in large population cohorts (gnomAD); In silico analysis indicates that this missense variant does not alter protein structure/function; Has not been previously published as pathogenic or benign to our knowledge

Labcorp Genetics (formerly Invitae), Labcorp
Classification: Uncertain significance. Last evaluated: 2021-05-20. Review status: criteria provided, single submitter. Criteria: Invitae Variant Classification Sherloc (09022015). Collection method: clinical testing. Allele origin: germline.
Comment: Advanced modeling of protein sequence and biophysical properties (such as structural, functional, and spatial information, amino acid conservation, physicochemical variation, residue mobility, and thermodynamic stability) performed at Invitae indicates that this missense variant is not expected to disrupt MYO15A protein function. This variant has not been reported in the literature in individuals with MYO15A-related conditions. This variant is present in population databases (rs368615320, ExAC 0.004%). This sequence change replaces arginine with histidine at codon 2038 of the MYO15A protein (p.Arg2038His). The arginine residue is highly conserved and there is a small physicochemical difference between arginine and histidine. In summary, the available evidence is currently insufficient to determine the role of this variant in disease. Therefore, it has been classified as a Variant of Uncertain Significance.

NM_016239.4(MYO15A):c.6113G>A (p.Arg2038His)

Gene: MYO15A (myosin XVA; plus strand). Cytogenetic location: 17p11.2.
Variant type: single nucleotide variant.
Coding change: c.6113G>A on transcript NM_016239.4 (MANE Select); coding-DNA position 6113, G replaced by A.
Protein change: p.Arg2038His; replaces arginine 2038 with histidine.
Molecular consequence: missense variant.
Genome position (GRCh38, 1-based): chr17:18,143,936, G>A. VCF-style: chr17-18143936-G-A. GRCh37 (hg19) VCF-style: chr17-18047250-G-A.
Other names: c.6113G>A (NM_016239.3); short protein forms R2038H.
Identifiers: ClinVar variation 1400476 (VCV001400476.7), dbSNP rs368615320, ClinGen allele CA8424500.